The following is an entry in ClinVar:

ClinVar aggregate classification (germline): Pathogenic. Review status: criteria provided, multiple submitters, no conflicts (2 of 4 stars). 4 submissions from 4 submitters: Pathogenic (2). 2 of the submissions do not count toward it. Last evaluated 2023-12-25.

Conditions:
Cone-rod dystrophy 15 (CORD15). Identifiers: MedGen C3150912, MONDO:0013348, OMIM 613660.
Cone-rod dystrophy. Also called: Cone/cone-rod dystrophy; Cone-rod degeneration. Identifiers: Orphanet 1872, MedGen C4085590, MONDO:0015993, HP:0000548.
CDHR1-related disorders.

gnomAD v4.1: 11 of 1,614,128 alleles (0.00068%); highest among the groups gnomAD compares: Admixed American, 0.0017%; no homozygotes.

Submissions (4):

Labcorp Genetics (formerly Invitae), Labcorp
Classification: Pathogenic. Last evaluated: 2023-12-25. Review status: criteria provided, single submitter. Criteria: Invitae Variant Classification Sherloc (09022015). Collection method: clinical testing. Allele origin: germline.
Comment: This sequence change affects a donor splice site in intron 13 of the CDHR1 gene. It is expected to disrupt RNA splicing. Variants that disrupt the donor or acceptor splice site typically lead to a loss of protein function (PMID: 16199547), and loss-of-function variants in CDHR1 are known to be pathogenic (PMID: 23044944, 23591405, 26103963, 26261414). This variant is present in population databases (no rsID available, gnomAD 0.003%). Disruption of this splice site has been observed in individual(s) with cone-rod dystrophy (PMID: 23233793). It has also been observed to segregate with disease in related individuals. ClinVar contains an entry for this variant (Variation ID: 812262). Algorithms developed to predict the effect of sequence changes on RNA splicing suggest that this variant may disrupt the consensus splice site. For these reasons, this variant has been classified as Pathogenic.

Blueprint Genetics
Classification: Pathogenic for CDHR1-related disorders. Last evaluated: 2021-05-31. Review status: criteria provided, single submitter. Criteria: ACMG Guidelines, 2015. Collection method: clinical testing. Allele origin: germline. Affected: yes. Observed: 1 variant allele.

OMIM
Classification: Pathogenic for CONE-ROD DYSTROPHY 15. Last evaluated: 2023-03-30. Review status: no assertion criteria provided. Collection method: literature only. Allele origin: germline. Not counted in ClinVar's aggregate classification.

Sharon lab, Hadassah-Hebrew University Medical Center
Classification: Pathogenic for Cone-rod degeneration. Last evaluated: 2019-06-23. Review status: no assertion criteria provided. Collection method: research. Allele origin: inherited. Affected: yes. Not counted in ClinVar's aggregate classification.

Literature cited by the submitters: PubMed 16199547 (cited by Labcorp Genetics (formerly Invitae), Labcorp); PubMed 23044944 (cited by Labcorp Genetics (formerly Invitae), Labcorp); PubMed 23591405 (cited by Labcorp Genetics (formerly Invitae), Labcorp); PubMed 26103963 (cited by Labcorp Genetics (formerly Invitae), Labcorp); PubMed 26261414 (cited by Labcorp Genetics (formerly Invitae), Labcorp); PubMed 23233793 (cited by Labcorp Genetics (formerly Invitae), Labcorp and OMIM).

NM_033100.4(CDHR1):c.1485+2T>G

Gene: CDHR1 (cadherin related family member 1; plus strand). Cytogenetic location: 10q23.1.
Variant type: single nucleotide variant.
Coding change: c.1485+2T>G on transcript NM_033100.4 (MANE Select); the canonical splice donor site of the intron after coding-DNA position 1485, T replaced by G.
Molecular consequence: splice donor variant.
Genome position (GRCh38, 1-based): chr10:84,211,167, T>G. VCF-style: chr10-84211167-T-G. GRCh37 (hg19) VCF-style: chr10-85970923-T-G.
Other names: IVS13, T-G, +2; c.1485+2T>G (NM_001171971.3).
Identifiers: ClinVar variation 812262 (VCV000812262.11), dbSNP rs767366723, ClinGen allele CA377377031.
Genomic context (GRCh38, chr10:84,211,167, plus strand): 5'-ACTACGTTGCCAGGATTCCTGAGAACGCCCCAGGGGGCTCCAGCGTGGTGGCTGTCACAG[T>G]GGGTTGGGCACTGGCCCAGGGACTGGGTGGGATAGGAGGCCTTGTGAAGCCAGACAAATC-3'